The following is an entry in ClinVar:

NM_022489.4(INF2):c.1226C>T (p.Ser409Leu)

Gene: INF2 (inverted formin 2; plus strand). Cytogenetic location: 14q32.33.
Variant type: single nucleotide variant.
Coding change: c.1226C>T on transcript NM_022489.4 (MANE Select); coding-DNA position 1226, C replaced by T.
Protein change: p.Ser409Leu; replaces serine 409 with leucine.
Molecular consequence: missense variant.
Genome position (GRCh38, 1-based): chr14:104,707,493, C>T. VCF-style: chr14-104707493-C-T. GRCh37 (hg19) VCF-style: chr14-105173830-C-T.
Other names: c.1226C>T, p.Ser409Leu (NM_001031714.4); short protein forms S409L.
Identifiers: ClinVar variation 1408421 (VCV001408421.7), dbSNP rs1486781241, ClinGen allele CA391216221.
Genomic context (GRCh38, chr14:104,707,493, plus strand): 5'-CAGCAGCTGCTGCCTGCGAGCCCGTGGACCACGCCCAGAGTGAGAGCATCCTGAAAGTTT[C>T]GCAGCCCAGAGCCCTGGAGCAGCAGGCGTCCACCCCACCCCCACCCCCACCCCCACCCCT-3'
Protein context (NP_071934.3, residues 399-419): HAQSESILKV[Ser409Leu]QPRALEQQAS

ClinVar aggregate classification (germline): Uncertain significance. Review status: criteria provided, multiple submitters, no conflicts (2 of 4 stars). 2 submissions from 2 submitters: Uncertain significance (2). Last evaluated 2021-12-23.

Conditions:
Focal segmental glomerulosclerosis 5 (FSGS5). Identifiers: Orphanet 656, MedGen C2750475, MONDO:0013191, OMIM 613237.
Charcot-Marie-Tooth disease dominant intermediate E. Also called: CHARCOT-MARIE-TOOTH NEUROPATHY WITH FOCAL SEGMENTAL GLOMERULONEPHRITIS. Identifiers: Orphanet 93114, MedGen C4302667, MONDO:0013758, OMIM 614455.

Allele frequency attached by ClinVar (database versions not stated): gnomAD exomes below 0.00001; TOPMed 0.00001.
gnomAD v4.1: 5 of 1,549,246 alleles (0.00032%); highest among the groups gnomAD compares: Non-Finnish European, 0.00044%; no homozygotes.

Submissions (2):

Fulgent Genetics
Classification: Uncertain significance for Focal segmental glomerulosclerosis 5; Charcot-Marie-Tooth disease dominant intermediate E. Last evaluated: 2021-12-23. Review status: criteria provided, single submitter. Criteria: ACMG Guidelines, 2015. Collection method: clinical testing. Allele origin: unknown.

Labcorp Genetics (formerly Invitae), Labcorp
Classification: Uncertain significance for Charcot-Marie-Tooth disease dominant intermediate E; Focal segmental glomerulosclerosis 5. Last evaluated: 2021-08-11. Review status: criteria provided, single submitter. Criteria: Invitae Variant Classification Sherloc (09022015). Collection method: clinical testing. Allele origin: germline.
Comment: In summary, the available evidence is currently insufficient to determine the role of this variant in disease. Therefore, it has been classified as a Variant of Uncertain Significance. Algorithms developed to predict the effect of missense changes on protein structure and function output the following: SIFT: "Tolerated"; PolyPhen-2: "Benign"; Align-GVGD: "Class C0". The leucine amino acid residue is found in multiple mammalian species, which suggests that this missense change does not adversely affect protein function. This variant has not been reported in the literature in individuals affected with INF2-related conditions. This variant is not present in population databases (ExAC no frequency). This sequence change replaces serine with leucine at codon 409 of the INF2 protein (p.Ser409Leu). The serine residue is weakly conserved and there is a large physicochemical difference between serine and leucine.